The following is an entry in ClinVar:

NM_003954.5(MAP3K14):c.106C>G (p.Gln36Glu)

Gene: MAP3K14 (mitogen-activated protein kinase kinase kinase 14; minus strand). Cytogenetic location: 17q21.31.
Variant type: single nucleotide variant.
Coding change: c.106C>G on transcript NM_003954.5 (MANE Select); coding-DNA position 106, C replaced by G.
Protein change: p.Gln36Glu; replaces glutamine 36 with glutamic acid.
Molecular consequence: missense variant.
Genome position (GRCh38, 1-based): chr17:45,290,640, G>C on the plus strand (C>G on the coding strand, the complement: MAP3K14 is on the minus strand). VCF-style: chr17-45290640-G-C. GRCh37 (hg19) VCF-style: chr17-43368006-G-C.
Other names: short protein forms Q36E.
Identifiers: ClinVar variation 1346028 (VCV001346028.3), dbSNP rs751516263, ClinGen allele CA8614451.

ClinVar aggregate classification (germline): Uncertain significance (1 of 4 stars; one submission).

Conditions:
NIK deficiency. Also called: Primary immunodeficiency with multifaceted aberrant lymphoid immunity. Identifiers: Orphanet 447731, MedGen C5680065, MONDO:0018642.

Allele frequency attached by ClinVar (database versions not stated): gnomAD exomes below 0.00001 and 0.00001; TOPMed below 0.00001; ExAC 0.00001; gnomAD 0.00001.
gnomAD v4.1: 4 of 1,613,514 alleles (0.00025%); highest among the groups gnomAD compares: East Asian, 0.0089%; no homozygotes.

Submission:

Labcorp Genetics (formerly Invitae), Labcorp
Classification: Uncertain significance for NIK deficiency. Last evaluated: 2021-09-14. Review status: criteria provided, single submitter. Criteria: Invitae Variant Classification Sherloc (09022015). Collection method: clinical testing. Allele origin: germline.
Comment: This sequence change replaces glutamine with glutamic acid at codon 36 of the MAP3K14 protein (p.Gln36Glu). The glutamine residue is highly conserved and there is a small physicochemical difference between glutamine and glutamic acid. This variant is present in population databases (rs751516263, ExAC 0.01%). This variant has not been reported in the literature in individuals affected with MAP3K14-related conditions. Experimental studies and prediction algorithms are not available or were not evaluated, and the functional significance of this variant is currently unknown. In summary, the available evidence is currently insufficient to determine the role of this variant in disease. Therefore, it has been classified as a Variant of Uncertain Significance.